The following is an entry in ClinVar:

NM_170601.5(SIAE):c.161G>A (p.Gly54Glu)

Gene: SIAE (sialic acid acetylesterase; minus strand). Cytogenetic location: 11q24.2.
Variant type: single nucleotide variant.
Coding change: c.161G>A on transcript NM_170601.5 (MANE Select); coding-DNA position 161, G replaced by A.
Protein change: p.Gly54Glu; replaces glycine 54 with glutamic acid.
Molecular consequence: missense variant.
Genome position (GRCh38, 1-based): chr11:124,669,428, C>T on the plus strand (G>A on the coding strand, the complement: SIAE is on the minus strand). VCF-style: chr11-124669428-C-T. GRCh37 (hg19) VCF-style: chr11-124539324-C-T.
Other names: c.56G>A, p.Gly19Glu (NM_001199922.2); short protein forms G19E, G54E.
Identifiers: ClinVar variation 2404947 (VCV002404947.3), dbSNP rs1017175307, ClinGen allele CA230368441.
Genomic context (GRCh38, chr11:124,669,428, plus strand): 5'-CTGGTCACTTTCTTCATGATGGTTTCCTGACCTTGGCGCAGGGTCACGGTCACTGTGGCT[C>T]CAGGTGTACCGAAGCCCCATATCACTGCCCCAGCAGGCTCCTTCTGCAGCACCATATCAT-3'
Protein context (NP_733746.1, residues 44-64): GAVIWGFGTP[Gly54Glu]ATVTVTLRQG

ClinVar aggregate classification (germline): Uncertain significance. Review status: criteria provided, multiple submitters, no conflicts (2 of 4 stars). 2 submissions from 2 submitters: Uncertain significance (2). Last evaluated 2025-09-28.

Allele frequency attached by ClinVar (database versions not stated): TOPMed 0.00001.

Submissions (2):

Labcorp Genetics (formerly Invitae), Labcorp
Classification: Uncertain significance. Last evaluated: 2025-09-28. Review status: criteria provided, single submitter. Criteria: Invitae Variant Classification Sherloc (09022015). Collection method: clinical testing. Allele origin: germline.
Comment: This sequence change replaces glycine, which is neutral and non-polar, with glutamic acid, which is acidic and polar, at codon 54 of the SIAE protein (p.Gly54Glu). This variant is not present in population databases (gnomAD no frequency). This variant has not been reported in the literature in individuals affected with SIAE-related conditions. ClinVar contains an entry for this variant (Variation ID: 2404947). An algorithm developed to predict the effect of missense changes on protein structure and function outputs the following: PolyPhen-2: "Benign". The glutamic acid amino acid residue is found in multiple mammalian species, which suggests that this missense change does not adversely affect protein function. In summary, the available evidence is currently insufficient to determine the role of this variant in disease. Therefore, it has been classified as a Variant of Uncertain Significance.

Ambry Genetics
Classification: Uncertain significance. Last evaluated: 2022-06-28. Review status: criteria provided, single submitter. Criteria: Ambry Variant Classification Scheme 2023. Collection method: clinical testing. Allele origin: germline.